The following is an entry in ClinVar:

ClinVar aggregate classification (germline): Likely pathogenic (1 of 4 stars; one submission).

Conditions:
Intellectual developmental disorder, autosomal dominant 50, with behavioral abnormalities. Also called: Intellectual disability, autosomal dominant 50; MENTAL RETARDATION, AUTOSOMAL DOMINANT 50. Identifiers: MedGen C4540470, MONDO:0030916, OMIM 617787.

Submission:

Greenwood Genetic Center Diagnostic Laboratories, Greenwood Genetic Center
Classification: Likely pathogenic for Intellectual developmental disorder, autosomal dominant 50, with behavioral abnormalities. Last evaluated: 2022-05-25. Review status: criteria provided, single submitter. Criteria: ACMG Guidelines, 2015. Collection method: clinical testing. Allele origin: germline. Affected: yes.
Comment: PS2, PM2, PP2, PP3

NM_057175.5(NAA15):c.219G>T (p.Leu73Phe)

Gene: NAA15 (N-alpha-acetyltransferase 15, NatA auxiliary subunit; plus strand). Cytogenetic location: 4q31.1.
Variant type: single nucleotide variant.
Coding change: c.219G>T on transcript NM_057175.5 (MANE Select); coding-DNA position 219, G replaced by T.
Protein change: p.Leu73Phe; replaces leucine 73 with phenylalanine.
Molecular consequence: missense variant.
Genome position (GRCh38, 1-based): chr4:139,336,927, G>T. VCF-style: chr4-139336927-G-T. GRCh37 (hg19) VCF-style: chr4-140258081-G-T.
Other names: short protein forms L73F.
Identifiers: ClinVar variation 1703067 (VCV001703067.3), dbSNP rs1404076207, ClinGen allele CA358258508.